The following is an entry in ClinVar:

ClinVar aggregate classification (germline): Uncertain significance. Review status: criteria provided, multiple submitters, no conflicts (2 of 4 stars). 2 submissions from 2 submitters: Uncertain significance (2). Last evaluated 2026-06-24.

Conditions:
TTN-related disorder. Also called: TTN-related disorders; TTN-related condition; TTN-related disease.

Allele frequency attached by ClinVar (database versions not stated): gnomAD exomes below 0.00001 and 0.00003; gnomAD 0.00001; ExAC 0.00002; TOPMed 0.00003.
gnomAD v4.1: 38 of 1,612,358 alleles (0.0024%); highest among the groups gnomAD compares: Middle Eastern, 0.016%; no homozygotes.

Submissions (2):

PreventionGenetics, part of Exact Sciences
Classification: Uncertain significance for TTN-related condition. Last evaluated: 2026-06-24. Review status: criteria provided, single submitter. Criteria: ACMG Guidelines, 2015. Collection method: clinical testing. Allele origin: germline.
Comment: The TTN c.50171G>A variant is predicted to result in the amino acid substitution p.Arg16724Gln. This variant has been reported in an individual with dilated cardiomyopathy (Table S3, Mazzarotto et al. 2020. PubMed ID: 31983221). This variant is reported in 0.00079% of alleles in individuals of European (Non-Finnish) descent in gnomAD and is interpreted as uncertain in ClinVar (Variation ID: 1691778). At this time, the clinical significance of this variant is uncertain due to the absence of conclusive functional and genetic evidence.

GeneDx
Classification: Uncertain significance. Last evaluated: 2021-12-18. Review status: criteria provided, single submitter. Criteria: GeneDx Variant Classification Process June 2021. Collection method: clinical testing. Allele origin: germline. Affected: yes.
Comment: Reported in an individual with dilated cardiomyopathy in published literature (Mazzarotto et al., 2020); Not observed at significant frequency in large population cohorts (gnomAD); Missense variant in a gene in which most reported pathogenic variants are truncating/loss-of-function; This variant is associated with the following publications: (PMID: 31983221)

NM_001267550.2(TTN):c.50171G>A (p.Arg16724Gln)

Genes: TTN (titin; minus strand), TTN-AS1 (TTN antisense RNA 1; plus strand). Cytogenetic location: 2q31.2.
Variant type: single nucleotide variant.
Coding change: c.50171G>A on transcript NM_001267550.2 (MANE Select); coding-DNA position 50171, G replaced by A.
Protein change: p.Arg16724Gln; replaces arginine 16724 with glutamine.
Genome position (GRCh38, 1-based): chr2:178,612,354, C>T on the plus strand (G>A on the coding strand, the complement: TTN is on the minus strand). VCF-style: chr2-178612354-C-T. GRCh37 (hg19) VCF-style: chr2-179477081-C-T.
Other names: c.45248G>A, p.Arg15083Gln (NM_001256850.1); c.22976G>A, p.Arg7659Gln (NM_003319.4); c.42467G>A, p.Arg14156Gln (NM_133378.4); c.23351G>A, p.Arg7784Gln (NM_133432.3); c.23552G>A, p.Arg7851Gln (NM_133437.4); short protein forms R14156Q, R15083Q, R16724Q, R7659Q, R7784Q, R7851Q.
Identifiers: ClinVar variation 1691778 (VCV001691778.3), dbSNP rs768793035, ClinGen allele CA1994435.
Genomic context (GRCh38, chr2:178,612,354, plus strand): 5'-AGCACAGAGTCCTCAATTTCGGTGTAGTCGCTTTGTCCTATAGCATTTTCTGCAGCAACT[C>T]GGAACACATATAAAGAGCCCTCAGTCAGTGGGGTGACTGTGCACTTGGTGTCCTTGACAG-3'
Protein context (NP_001254479.2, residues 16714-16734): PLTEGSLYVF[Arg16724Gln]VAAENAIGQS